The following is an entry in ClinVar:

ClinVar aggregate classification (germline): Benign. Review status: criteria provided, single submitter (1 of 4 stars). 2 submissions from 2 submitters: Benign (1). 1 of the submissions does not count toward it. Last evaluated 2019-12-31.

Conditions:
OTX1-related disorder. Also called: OTX1-related condition.

Allele frequency attached by ClinVar (database versions not stated): TOPMed 0.00100; gnomAD 0.00108 and 0.00109; ESP Exome Variant Server 0.00131; 1000 Genomes Project 0.00140; 1000 Genomes Project 30x 0.00141.

Submissions (2):

Labcorp Genetics (formerly Invitae), Labcorp
Classification: Benign. Last evaluated: 2019-12-31. Review status: criteria provided, single submitter. Criteria: Invitae Variant Classification Sherloc (09022015). Collection method: clinical testing. Allele origin: germline.

PreventionGenetics, part of Exact Sciences
Classification: Likely benign for OTX1-related condition. Last evaluated: 2020-01-13. Review status: no assertion criteria provided. Collection method: clinical testing. Allele origin: germline. Not counted in ClinVar's aggregate classification.
Comment: This variant is classified as likely benign based on ACMG/AMP sequence variant interpretation guidelines (Richards et al. 2015 PMID: 25741868, with internal and published modifications).

NM_014562.4(OTX1):c.27A>T (p.Pro9=)

Gene: OTX1 (orthodenticle homeobox 1; plus strand). Cytogenetic location: 2p15.
Variant type: single nucleotide variant.
Coding change: c.27A>T on transcript NM_014562.4 (MANE Select); coding-DNA position 27, A replaced by T.
Protein change: p.Pro9=; no amino-acid change (proline 9 retained).
Molecular consequence: synonymous variant. On other transcripts: non-coding transcript variant (1).
Genome position (GRCh38, 1-based): chr2:63,053,017, A>T. VCF-style: chr2-63053017-A-T. GRCh37 (hg19) VCF-style: chr2-63280152-A-T.
Other names: c.27A>T, p.Pro9= (NM_001199770.2); c.27A>T (NM_001199770.1).
Identifiers: ClinVar variation 731079 (VCV000731079.6), dbSNP rs147660988, ClinGen allele CA1681710.